The following is an entry in ClinVar:

NM_000171.3(GLRA1):c.(?_-287)_697+?del

Genes: GLRA1 (glycine receptor alpha 1; minus strand), LOC123575602 (Sharpr-MPRA regulatory region 1877; plus strand). Cytogenetic location: 5q33.1.
Variant type: Deletion.
Other names: GLRA1 deletion of exons 1-6; c.(?_-287)_697+?del (NM_000171.3).
Identifiers: ClinVar variation 41004 (VCV000041004.3).

ClinVar aggregate classification (germline): Pathogenic (0 of 4 stars; one submission).

Conditions:
Hyperekplexia 1 (STHE). Also called: HYPEREKPLEXIA 1, AUTOSOMAL DOMINANT; HYPEREKPLEXIA 1, AUTOSOMAL RECESSIVE; EXAGGERATED STARTLE REACTION; KOK DISEASE; STARTLE DISEASE, FAMILIAL; STIFF-BABY SYNDROME. Identifiers: Orphanet 3197, MedGen C4551954, MONDO:0007868, OMIM 149400.

Submission:

GeneReviews
Classification: Pathogenic for Hyperekplexia. Last evaluated: 2012-10-04. Review status: no assertion criteria provided. Collection method: curation. Allele origin: unknown.
ClinVar note: Converted during submission from pathologic to Pathogenic.